The following is an entry in ClinVar:

NM_006506.5(RASA2):c.604C>T (p.Pro202Ser)

Gene: RASA2 (RAS p21 protein activator 2; plus strand). Cytogenetic location: 3q23.
Variant type: single nucleotide variant.
Coding change: c.604C>T on transcript NM_006506.5 (MANE Select); coding-DNA position 604, C replaced by T.
Protein change: p.Pro202Ser; replaces proline 202 with serine.
Molecular consequence: missense variant.
Genome position (GRCh38, 1-based): chr3:141,553,933, C>T. VCF-style: chr3-141553933-C-T. GRCh37 (hg19) VCF-style: chr3-141272775-C-T.
Other names: c.604C>T, p.Pro202Ser (NM_001303245.3, NM_001303246.3); short protein forms P202S.
Identifiers: ClinVar variation 2562696 (VCV002562696.3), dbSNP rs1471633694, ClinGen allele CA354772566.

ClinVar aggregate classification (germline): Uncertain significance. Review status: criteria provided, multiple submitters, no conflicts (2 of 4 stars). 2 submissions from 2 submitters: Uncertain significance (2). Last evaluated 2025-02-19.

Allele frequency attached by ClinVar (database versions not stated): gnomAD 0.00001; TOPMed 0.00001; gnomAD exomes below 0.00001.

Submissions (2):

Labcorp Genetics (formerly Invitae), Labcorp
Classification: Uncertain significance. Last evaluated: 2025-02-19. Review status: criteria provided, single submitter. Criteria: Invitae Variant Classification Sherloc (09022015). Collection method: clinical testing. Allele origin: germline.
Comment: This sequence change replaces proline, which is neutral and non-polar, with serine, which is neutral and polar, at codon 202 of the RASA2 protein (p.Pro202Ser). This variant is not present in population databases (gnomAD no frequency). This variant has not been reported in the literature in individuals affected with RASA2-related conditions. ClinVar contains an entry for this variant (Variation ID: 2562696). An algorithm developed to predict the effect of missense changes on protein structure and function (PolyPhen-2) suggests that this variant is likely to be disruptive. In summary, the available evidence is currently insufficient to determine the role of this variant in disease. Therefore, it has been classified as a Variant of Uncertain Significance.

Ambry Genetics
Classification: Uncertain significance. Last evaluated: 2023-05-01. Review status: criteria provided, single submitter. Criteria: Ambry Variant Classification Scheme 2023. Collection method: clinical testing. Allele origin: germline.
Comment: The p.P202S variant (also known as c.604C>T), located in coding exon 6 of the RASA2 gene, results from a C to T substitution at nucleotide position 604. The proline at codon 202 is replaced by serine, an amino acid with similar properties. This amino acid position is conserved. In addition, the in silico prediction for this alteration is inconclusive. Since supporting evidence is limited at this time, the clinical significance of this alteration remains unclear.